The following is an entry in ClinVar:

ClinVar aggregate classification (germline): Pathogenic (1 of 4 stars; one submission).

Conditions:
Inborn genetic diseases. Identifiers: MedGen C0950123, MeSH D030342.

Submission:

Ambry Genetics
Classification: Pathogenic for Inborn genetic diseases. Last evaluated: 2025-10-08. Review status: criteria provided, single submitter. Criteria: Ambry Variant Classification Scheme 2023. Collection method: clinical testing. Allele origin: germline.
Comment: The c.1878C>A (p.C626*) alteration, located in exon 11 (coding exon 10) of the KAT6A gene, consists of a C to A substitution at nucleotide position 1878. This changes the amino acid from a cysteine (C) to a stop codon at amino acid position 626. This alteration is expected to result in loss of function by premature protein truncation or nonsense-mediated mRNA decay. This variant was not reported in population-based cohorts in the Genome Aggregation Database (gnomAD). Based on the available evidence, this alteration is classified as pathogenic.

NM_006766.5(KAT6A):c.1878C>A (p.Cys626Ter)

Gene: KAT6A (lysine acetyltransferase 6A; minus strand). Cytogenetic location: 8p11.21.
Variant type: single nucleotide variant.
Coding change: c.1878C>A on transcript NM_006766.5 (MANE Select); coding-DNA position 1878, C replaced by A.
Protein change: p.Cys626Ter; replaces cysteine 626 with a stop codon.
Molecular consequence: nonsense.
Genome position (GRCh38, 1-based): chr8:41,947,775, G>T on the plus strand (C>A on the coding strand, the complement: KAT6A is on the minus strand). VCF-style: chr8-41947775-G-T. GRCh37 (hg19) VCF-style: chr8-41805293-G-T.
Other names: c.1878C>A, p.Cys626Ter (NM_001305878.2); short protein forms C626*.
Identifiers: ClinVar variation 4622443 (VCV004622443.1).